The following is an entry in ClinVar:

NM_001278116.2(L1CAM):c.2837G>A (p.Gly946Asp)

Gene: L1CAM (L1 cell adhesion molecule; minus strand). Cytogenetic location: Xq28.
Variant type: single nucleotide variant.
Coding change: c.2837G>A on transcript NM_001278116.2 (MANE Select); coding-DNA position 2837, G replaced by A.
Protein change: p.Gly946Asp; replaces glycine 946 with aspartic acid.
Molecular consequence: missense variant.
Genome position (GRCh38, 1-based): chrX:153,865,123, C>T on the plus strand (G>A on the coding strand, the complement: L1CAM is on the minus strand). VCF-style: chrX-153865123-C-T. GRCh37 (hg19) VCF-style: chrX-153130578-C-T.
Other names: c.2837G>A, p.Gly946Asp (NM_000425.5, NM_024003.3); c.2822G>A, p.Gly941Asp (NM_001143963.2); short protein forms G946D, G941D.
Identifiers: ClinVar variation 2800892 (VCV002800892.3), dbSNP rs2520972236, ClinGen allele CA415114773.

ClinVar aggregate classification (germline): Uncertain significance (1 of 4 stars; one submission).

Conditions:
Spastic paraplegia. Identifiers: MedGen C0037772, HP:0001258.

Submission:

Labcorp Genetics (formerly Invitae), Labcorp
Classification: Uncertain significance for Spastic paraplegia. Last evaluated: 2024-05-06. Review status: criteria provided, single submitter. Criteria: Invitae Variant Classification Sherloc (09022015). Collection method: clinical testing. Allele origin: germline.
Comment: This sequence change replaces glycine, which is neutral and non-polar, with aspartic acid, which is acidic and polar, at codon 946 of the L1CAM protein (p.Gly946Asp). This variant is not present in population databases (gnomAD no frequency). This variant has not been reported in the literature in individuals affected with L1CAM-related conditions. Advanced modeling of protein sequence and biophysical properties (such as structural, functional, and spatial information, amino acid conservation, physicochemical variation, residue mobility, and thermodynamic stability) has been performed at Invitae for this missense variant, however the output from this modeling did not meet the statistical confidence thresholds required to predict the impact of this variant on L1CAM protein function. In summary, the available evidence is currently insufficient to determine the role of this variant in disease. Therefore, it has been classified as a Variant of Uncertain Significance.